The following is an entry in ClinVar:

NM_004565.3(PEX14):c.26A>T (p.Gln9Leu)

Gene: PEX14 (peroxisomal biogenesis factor 14; plus strand). Cytogenetic location: 1p36.22.
Variant type: single nucleotide variant.
Coding change: c.26A>T on transcript NM_004565.3 (MANE Select); coding-DNA position 26, A replaced by T.
Protein change: p.Gln9Leu; replaces glutamine 9 with leucine.
Molecular consequence: missense variant.
Genome position (GRCh38, 1-based): chr1:10,474,992, A>T. VCF-style: chr1-10474992-A-T. GRCh37 (hg19) VCF-style: chr1-10535049-A-T.
Other names: short protein forms Q9L.
Identifiers: ClinVar variation 874497 (VCV000874497.13), dbSNP rs201979629, ClinGen allele CA583657.

ClinVar aggregate classification (germline): Conflicting classifications of pathogenicity. Review status: criteria provided, conflicting classifications (1 of 4 stars). 3 submissions from 3 submitters: Uncertain significance (1); Likely benign (1). 1 of the submissions does not count toward it. Last evaluated 2025-12-27.

Conditions:
Peroxisome biogenesis disorder, complementation group K (CGK). Identifiers: MedGen C1866257, MONDO:0800365.
PEX14-related disorder. Also called: PEX14-related condition.
Peroxisome biogenesis disorder 13A (Zellweger). Also called: Peroxisome biogenesis disorder 13A. Identifiers: Orphanet 912, MedGen C3554004, MONDO:0013952, OMIM 614887.

Allele frequency attached by ClinVar (database versions not stated): gnomAD 0.00006 and 0.00008; TOPMed 0.00006; gnomAD exomes 0.00018; ExAC 0.00023; 1000 Genomes Project 0.00040; 1000 Genomes Project 30x 0.00047.
gnomAD v4.1: 82 of 1,610,198 alleles (0.0051%); highest among the groups gnomAD compares: East Asian, 0.17%; no homozygotes.

Submissions (3):

Labcorp Genetics (formerly Invitae), Labcorp
Classification: Likely benign for Peroxisome biogenesis disorder, complementation group K. Last evaluated: 2025-12-27. Review status: criteria provided, single submitter. Criteria: Invitae Variant Classification Sherloc (09022015). Collection method: clinical testing. Allele origin: germline.

Illumina Laboratory Services, Illumina
Classification: Uncertain significance for Peroxisome biogenesis disorder 13A (Zellweger). Last evaluated: 2018-01-12. Review status: criteria provided, single submitter. Criteria: ICSL Variant Classification Criteria 13 December 2019. Collection method: clinical testing. Allele origin: germline.

PreventionGenetics, part of Exact Sciences
Classification: Likely benign for PEX14-related condition. Last evaluated: 2023-07-10. Review status: no assertion criteria provided. Collection method: clinical testing. Allele origin: germline. Not counted in ClinVar's aggregate classification.
Comment: This variant is classified as likely benign based on ACMG/AMP sequence variant interpretation guidelines (Richards et al. 2015 PMID: 25741868, with internal and published modifications).